The following is an entry in ClinVar:

ClinVar aggregate classification (germline): Uncertain significance (1 of 4 stars; one submission).

Conditions:
Primary ciliary dyskinesia 33. Also called: CILIARY DYSKINESIA, PRIMARY, 33, WITHOUT SITUS INVERSUS. Identifiers: Orphanet 244, MedGen C4225230, MONDO:0014750, OMIM 616726.

Allele frequency attached by ClinVar (database versions not stated): TOPMed below 0.00001; gnomAD exomes 0.00001; gnomAD 0.00002; ExAC 0.00003; ESP Exome Variant Server 0.00008.
gnomAD v4.1: 15 of 1,613,966 alleles (0.00093%); highest among the groups gnomAD compares: Non-Finnish European, 0.00051%; no homozygotes.

Submission:

Labcorp Genetics (formerly Invitae), Labcorp
Classification: Uncertain significance for Primary ciliary dyskinesia 33. Last evaluated: 2024-01-25. Review status: criteria provided, single submitter. Criteria: Invitae Variant Classification Sherloc (09022015). Collection method: clinical testing. Allele origin: germline.
Comment: This sequence change replaces leucine, which is neutral and non-polar, with phenylalanine, which is neutral and non-polar, at codon 283 of the GAS8 protein (p.Leu283Phe). This variant is present in population databases (rs368747393, gnomAD 0.02%). This variant has not been reported in the literature in individuals affected with GAS8-related conditions. Advanced modeling of protein sequence and biophysical properties (such as structural, functional, and spatial information, amino acid conservation, physicochemical variation, residue mobility, and thermodynamic stability) has been performed at Invitae for this missense variant, however the output from this modeling did not meet the statistical confidence thresholds required to predict the impact of this variant on GAS8 protein function. In summary, the available evidence is currently insufficient to determine the role of this variant in disease. Therefore, it has been classified as a Variant of Uncertain Significance.

NM_001481.3(DRC4):c.847C>T (p.Leu283Phe)

Gene: DRC4 (dynein regulatory complex subunit 4; plus strand). Cytogenetic location: 16q24.3.
Variant type: single nucleotide variant.
Coding change: c.847C>T on transcript NM_001481.3 (MANE Select); coding-DNA position 847, C replaced by T.
Protein change: p.Leu283Phe; replaces leucine 283 with phenylalanine.
Molecular consequence: missense variant.
Genome position (GRCh38, 1-based): chr16:90,037,322, C>T. VCF-style: chr16-90037322-C-T. GRCh37 (hg19) VCF-style: chr16-90103730-C-T.
Other names: c.598C>T, p.Leu200Phe (NM_001286205.2); c.271C>T, p.Leu91Phe (NM_001286208.2); c.772C>T, p.Leu258Phe (NM_001286209.2); short protein forms L200F, L258F, L91F, L283F.
Identifiers: ClinVar variation 2876267 (VCV002876267.2), dbSNP rs368747393, ClinGen allele CA8258000.